The following is an entry in ClinVar:

NM_004239.4(TRIP11):c.4898A>G (p.Gln1633Arg)

Gene: TRIP11 (thyroid hormone receptor interactor 11; minus strand). Cytogenetic location: 14q32.12.
Variant type: single nucleotide variant.
Coding change: c.4898A>G on transcript NM_004239.4 (MANE Select); coding-DNA position 4898, A replaced by G.
Protein change: p.Gln1633Arg; replaces glutamine 1633 with arginine.
Molecular consequence: missense variant.
Genome position (GRCh38, 1-based): chr14:91,995,510, T>C on the plus strand (A>G on the coding strand, the complement: TRIP11 is on the minus strand). VCF-style: chr14-91995510-T-C. GRCh37 (hg19) VCF-style: chr14-92461854-T-C.
Other names: c.4898A>G (NM_004239.3); c.4895A>G, p.Gln1632Arg (NM_001321851.1); short protein forms Q1632R, Q1633R.
Identifiers: ClinVar variation 3032441 (VCV003032441.3), dbSNP rs766441295, ClinGen allele CA7313334.

ClinVar aggregate classification (germline): Uncertain significance. Review status: criteria provided, single submitter (1 of 4 stars). 2 submissions from 2 submitters: Uncertain significance (1). 1 of the submissions does not count toward it. Last evaluated 2024-12-07.

Conditions:
Inborn genetic diseases. Identifiers: MedGen C0950123, MeSH D030342.
TRIP11-related disorder. Also called: TRIP11-related condition; TRIP11-Related Disorders.

Allele frequency attached by ClinVar (database versions not stated): gnomAD exomes below 0.00001; ExAC 0.00003; gnomAD 0.00005; TOPMed 0.00005.
gnomAD v4.1: 11 of 1,614,010 alleles (0.00068%); highest among the groups gnomAD compares: African/African-American, 0.015%; no homozygotes.

Submissions (2):

Ambry Genetics
Classification: Uncertain significance for Inborn genetic diseases. Last evaluated: 2024-12-07. Review status: criteria provided, single submitter. Criteria: Ambry Variant Classification Scheme 2023. Collection method: clinical testing. Allele origin: germline.

PreventionGenetics, part of Exact Sciences
Classification: Uncertain significance for TRIP11-related condition. Last evaluated: 2023-12-13. Review status: no assertion criteria provided. Collection method: clinical testing. Allele origin: germline. Not counted in ClinVar's aggregate classification.
Comment: The TRIP11 c.4898A>G variant is predicted to result in the amino acid substitution p.Gln1633Arg. To our knowledge, this variant has not been reported in the literature. This variant is reported in 0.028% of alleles in individuals of African descent in gnomAD. At this time, the clinical significance of this variant is uncertain due to the absence of conclusive functional and genetic evidence.